The following is an entry in ClinVar:

NM_002500.5(NEUROD1):c.935A>G (p.Gln312Arg)

Gene: NEUROD1 (neuronal differentiation 1; minus strand). Cytogenetic location: 2q31.3.
Variant type: single nucleotide variant.
Coding change: c.935A>G on transcript NM_002500.5 (MANE Select); coding-DNA position 935, A replaced by G.
Protein change: p.Gln312Arg; replaces glutamine 312 with arginine.
Molecular consequence: missense variant.
Genome position (GRCh38, 1-based): chr2:181,677,926, T>C on the plus strand (A>G on the coding strand, the complement: NEUROD1 is on the minus strand). VCF-style: chr2-181677926-T-C. GRCh37 (hg19) VCF-style: chr2-182542653-T-C.
Other names: short protein forms Q312R.
Identifiers: ClinVar variation 1907977 (VCV001907977.5), dbSNP rs775739993, ClinGen allele CA2011036.

ClinVar aggregate classification (germline): Uncertain significance (1 of 4 stars; one submission).

Allele frequency attached by ClinVar (database versions not stated): gnomAD exomes below 0.00001; TOPMed below 0.00001; gnomAD 0.00001; ExAC 0.00004.

Submission:

Labcorp Genetics (formerly Invitae), Labcorp
Classification: Uncertain significance. Last evaluated: 2022-02-04. Review status: criteria provided, single submitter. Criteria: Invitae Variant Classification Sherloc (09022015). Collection method: clinical testing. Allele origin: germline.
Comment: This sequence change replaces glutamine, which is neutral and polar, with arginine, which is basic and polar, at codon 312 of the NEUROD1 protein (p.Gln312Arg). This variant is present in population databases (rs775739993, gnomAD 0.006%). This variant has not been reported in the literature in individuals affected with NEUROD1-related conditions. Algorithms developed to predict the effect of missense changes on protein structure and function (SIFT, PolyPhen-2, Align-GVGD) all suggest that this variant is likely to be tolerated. In summary, the available evidence is currently insufficient to determine the role of this variant in disease. Therefore, it has been classified as a Variant of Uncertain Significance.